The following is an entry in ClinVar:

ClinVar aggregate classification (germline): Benign/Likely benign. Review status: criteria provided, multiple submitters, no conflicts (2 of 4 stars). 11 submissions from 11 submitters: Benign (4); Likely benign (4). 3 of the submissions do not count toward it. Last evaluated 2026-10-01.

Conditions:
OXCT1-related disorder. Also called: OXCT1-related condition.
Succinyl-CoA acetoacetate transferase deficiency (SCOTD). Also called: 3-Oxoacid CoA Transferase Deficiency; KETOACIDOSIS DUE TO SCOT DEFICIENCY; Succinyl CoA:3-oxoacid CoA transferase deficiency; SCOT DEFICIENCY; SUCCINYL-CoA:3-KETOACID CoA-TRANSFERASE DEFICIENCY. Identifiers: Orphanet 832, MedGen C0342792, MONDO:0009492, OMIM 245050.

Allele frequency attached by ClinVar (database versions not stated): gnomAD 0.00524 and 0.00520; 1000 Genomes Project 0.00300; gnomAD exomes 0.00486 and 0.00764; ESP Exome Variant Server 0.00669; 1000 Genomes Project 30x 0.00359; ExAC 0.00507; TOPMed 0.00530.

Submissions (11):

CeGaT Center for Human Genetics Tuebingen
Classification: Likely benign. Last evaluated: 2026-10-01. Review status: criteria provided, single submitter. Criteria: CeGaT Center For Human Genetics Tuebingen Variant Classification Criteria Version 2. Collection method: clinical testing. Allele origin: germline. Affected: yes. Observed: 9 variant alleles.
Comment: OXCT1: BP4, BS2

Labcorp Genetics (formerly Invitae), Labcorp
Classification: Benign for Succinyl-CoA acetoacetate transferase deficiency. Last evaluated: 2026-01-27. Review status: criteria provided, single submitter. Criteria: Invitae Variant Classification Sherloc (09022015). Collection method: clinical testing. Allele origin: germline.

Mayo Clinic Laboratories, Mayo Clinic
Classification: Likely benign. Last evaluated: 2025-02-14. Review status: criteria provided, single submitter. Criteria: ACMG Guidelines, 2015. Collection method: clinical testing. Allele origin: germline. Observed: 10 variant alleles.
Comment: BA1

ARUP Laboratories, Molecular Genetics and Genomics, ARUP Laboratories
Classification: Benign for Succinyl-CoA acetoacetate transferase deficiency. Last evaluated: 2023-11-22. Review status: criteria provided, single submitter. Criteria: ARUP Molecular Germline Variant Investigation Process 2024. Collection method: clinical testing. Allele origin: germline.

Mendelics
Classification: Benign for Succinyl-CoA acetoacetate transferase deficiency. Last evaluated: 2019-05-28. Review status: criteria provided, single submitter. Criteria: Mendelics Assertion Criteria 2017. Collection method: clinical testing. Allele origin: unknown.

GeneDx
Classification: Likely benign. Last evaluated: 2018-05-14. Review status: criteria provided, single submitter. Criteria: GeneDx Variant Classification (06012015). Collection method: clinical testing. Allele origin: germline. Affected: yes.
Comment: This variant is considered likely benign or benign based on one or more of the following criteria: it is a conservative change, it occurs at a poorly conserved position in the protein, it is predicted to be benign by multiple in silico algorithms, and/or has population frequency not consistent with disease.

Illumina Laboratory Services, Illumina
Classification: Likely benign for Succinyl-CoA acetoacetate transferase deficiency. Last evaluated: 2017-04-27. Review status: criteria provided, single submitter. Criteria: ICSL Variant Classification Criteria 13 December 2019. Collection method: clinical testing. Allele origin: germline.
Comment: This variant was observed as part of a predisposition screen in an ostensibly healthy population. A literature search was performed for the gene, cDNA change, and amino acid change (where applicable). Publications were found based on this search. The evidence from the literature, in combination with allele frequency data from public databases where available, was sufficient to determine this variant is unlikely to cause disease. Therefore, this variant is classified as likely benign.

Eurofins Ntd Llc (ga)
Classification: Benign. Last evaluated: 2013-11-22. Review status: criteria provided, single submitter. Criteria: EGL Classification Definitions 2015. Collection method: clinical testing. Allele origin: germline. Observed: 1 variant allele, 1 heterozygote.

PreventionGenetics, part of Exact Sciences
Classification: Likely benign for OXCT1-related condition. Last evaluated: 2020-05-11. Review status: no assertion criteria provided. Collection method: clinical testing. Allele origin: germline. Not counted in ClinVar's aggregate classification.
Comment: This variant is classified as likely benign based on ACMG/AMP sequence variant interpretation guidelines (Richards et al. 2015 PMID: 25741868, with internal and published modifications).

Clinical Genetics DNA and cytogenetics Diagnostics Lab, Erasmus MC, Erasmus Medical Center
Classification: Likely benign. Review status: no assertion criteria provided. Collection method: clinical testing. Allele origin: germline. Affected: yes. Study: VKGL Data-share Consensus. Not counted in ClinVar's aggregate classification.

Laboratory of Diagnostic Genome Analysis, Leiden University Medical Center (LUMC)
Classification: Likely benign. Review status: no assertion criteria provided. Collection method: clinical testing. Allele origin: germline. Affected: yes. Study: VKGL Data-share Consensus. Not counted in ClinVar's aggregate classification.

Literature cited by the submitters: PubMed 20818383 (cited by Illumina Laboratory Services, Illumina); PubMed 23420214 (cited by Illumina Laboratory Services, Illumina).

NM_000436.4(OXCT1):c.112C>T (p.Arg38Cys)

Gene: OXCT1 (3-oxoacid CoA-transferase 1; minus strand). Cytogenetic location: 5p13.1.
Variant type: single nucleotide variant.
Coding change: c.112C>T on transcript NM_000436.4 (MANE Select); coding-DNA position 112, C replaced by T.
Protein change: p.Arg38Cys; replaces arginine 38 with cysteine.
Molecular consequence: missense variant. On other transcripts: non-coding transcript variant (1).
Genome position (GRCh38, 1-based): chr5:41,862,717, G>A on the plus strand (C>T on the coding strand, the complement: OXCT1 is on the minus strand). VCF-style: chr5-41862717-G-A. GRCh37 (hg19) VCF-style: chr5-41862819-G-A.
Other names: c.112C>T, p.Arg38Cys (NM_001364299.2, NM_001364301.2, NM_001364302.2); c.133C>T, p.Arg45Cys (NM_001364300.2); short protein forms R38C, R45C.
Identifiers: ClinVar variation 167412 (VCV000167412.66), dbSNP rs76956231, ClinGen allele CA180263.